The following is an entry in ClinVar:

ClinVar aggregate classification (germline): Conflicting classifications of pathogenicity. Review status: criteria provided, conflicting classifications (1 of 4 stars). 7 submissions from 7 submitters: Uncertain significance (5); Likely benign (1). 1 of the submissions does not count toward it. Last evaluated 2026-04-21.

Conditions:
PKHD1-related disorder. Also called: PKHD1-related condition.
Inborn genetic diseases. Identifiers: MedGen C0950123, MeSH D030342.
Autosomal recessive polycystic kidney disease (ARPKD). Also called: AR polycystic kidney disease. Identifiers: Orphanet 731, Orphanet 8378, MedGen C0085548, MeSH D017044, MONDO:0009889.

Allele frequency attached by ClinVar (database versions not stated): gnomAD exomes 0.00008; ExAC 0.00010; 1000 Genomes Project 30x 0.00031; gnomAD 0.00031 and 0.00035; TOPMed 0.00037; 1000 Genomes Project 0.00040; ESP Exome Variant Server 0.00046.
gnomAD v4.1: 154 of 1,614,092 alleles (0.0095%); highest among the groups gnomAD compares: African/African-American, 0.13%; no homozygotes.

Submissions (7):

PreventionGenetics, part of Exact Sciences
Classification: Uncertain significance for PKHD1-related condition. Last evaluated: 2026-04-21. Review status: criteria provided, single submitter. Criteria: ACMG Guidelines, 2015. Collection method: clinical testing. Allele origin: germline.
Comment: The PKHD1 c.3838C>T variant is predicted to result in the amino acid substitution p.Arg1280Cys. To our knowledge, this variant has not been reported in the literature. This variant is reported in 0.11% of alleles in individuals of African descent in gnomAD, which may be too frequent to be a primary cause of disease. Although we suspect that this variant may be benign, at this time, the clinical significance of this variant is uncertain due to the absence of conclusive functional and genetic evidence.

Labcorp Genetics (formerly Invitae), Labcorp
Classification: Likely benign for Autosomal recessive polycystic kidney disease. Last evaluated: 2026-02-02. Review status: criteria provided, single submitter. Criteria: Invitae Variant Classification Sherloc (09022015). Collection method: clinical testing. Allele origin: germline.

GeneDx
Classification: Uncertain significance. Last evaluated: 2024-10-07. Review status: criteria provided, single submitter. Criteria: GeneDx Variant Classification Process June 2021. Collection method: clinical testing. Allele origin: germline. Affected: yes.
Comment: In silico analysis indicates that this missense variant does not alter protein structure/function; Has not been previously published as pathogenic or benign to our knowledge

Ambry Genetics
Classification: Uncertain significance for Inborn genetic diseases. Last evaluated: 2021-08-10. Review status: criteria provided, single submitter. Criteria: Ambry Variant Classification Scheme 2023. Collection method: clinical testing. Allele origin: germline.

Eurofins Ntd Llc (ga)
Classification: Uncertain significance. Last evaluated: 2017-12-26. Review status: criteria provided, single submitter. Criteria: EGL Classification Definitions 2015. Collection method: clinical testing. Allele origin: germline. Observed: 4 variant alleles, 4 heterozygotes.

Illumina Laboratory Services, Illumina
Classification: Uncertain significance for Polycystic kidney disease 4. Last evaluated: 2017-04-27. Review status: criteria provided, single submitter. Criteria: ICSL Variant Classification Criteria 13 December 2019. Collection method: clinical testing. Allele origin: germline.

Natera, Inc.
Classification: Uncertain significance for Autosomal recessive polycystic kidney disease. Last evaluated: 2018-06-28. Review status: no assertion criteria provided. Collection method: clinical testing. Allele origin: germline. Not counted in ClinVar's aggregate classification.

NM_138694.4(PKHD1):c.3838C>T (p.Arg1280Cys)

Gene: PKHD1 (PKHD1 ciliary IPT domain containing fibrocystin/polyductin; minus strand). Cytogenetic location: 6p12.2.
Variant type: single nucleotide variant.
Coding change: c.3838C>T on transcript NM_138694.4 (MANE Select); coding-DNA position 3838, C replaced by T.
Protein change: p.Arg1280Cys; replaces arginine 1280 with cysteine.
Molecular consequence: missense variant.
Genome position (GRCh38, 1-based): chr6:52,025,972, G>A on the plus strand (C>T on the coding strand, the complement: PKHD1 is on the minus strand). VCF-style: chr6-52025972-G-A. GRCh37 (hg19) VCF-style: chr6-51890770-G-A.
Other names: c.3838C>T, p.Arg1280Cys (NM_170724.3); short protein forms R1280C.
Identifiers: ClinVar variation 498678 (VCV000498678.21), dbSNP rs144042993, ClinGen allele CA3852826.
Genomic context (GRCh38, chr6:52,025,972, plus strand): 5'-TTGCTGCCGCTTCATACATGAAGGTGAAGCCTTTCCCCACCAAGCTTGGTGAAGGACCAC[G>A]GGCGAAGAACCTGTTGCCAGCCCAGACCTCCACGGCAGCTGGAACAGTGGGAGCGCCCGC-3'
Protein context (NP_619639.3, residues 1270-1290): EVWAGNRFFA[Arg1280Cys]GPSPSLVGKG